The following is an entry in ClinVar:

ClinVar aggregate classification (germline): Uncertain significance (1 of 4 stars; one submission).

Conditions:
Parenti-mignot neurodevelopmental syndrome. Identifiers: MedGen C5676984, MONDO:0859249, OMIM 619873.

Submission:

3billion
Classification: Uncertain significance for Parenti-mignot neurodevelopmental syndrome. Last evaluated: 2024-11-20. Review status: criteria provided, single submitter. Criteria: ACMG Guidelines, 2015. Collection method: clinical testing. Allele origin: germline. Affected: yes.
Comment: The variant is not observed in the gnomAD v4.1.0 dataset. Predicted Consequence/Location: Intron variant In silico tools predict the variant to alter splicing and produce an abnormal transcript [SpliceAI: 0.24 (>=0.2, moderate evidence for spliceogenicity)]. Therefore, this variant is classified as VUS according to the recommendation of ACMG/AMP guideline.

NM_015557.3(CHD5):c.3263-11_3263-8del

Gene: CHD5 (chromodomain helicase DNA binding protein 5; minus strand). Cytogenetic location: 1p36.31.
Variant type: Microsatellite.
Coding change: c.3263-11_3263-8del on transcript NM_015557.3 (MANE Select); 11 bases into the intron before coding-DNA position 3263 through 8 bases into the intron before coding-DNA position 3263, 4 bases deleted (CTCT; older notation c.3263-11_3263-8delCTCT).
Molecular consequence: intron variant.
Genome position (GRCh38, 1-based): chr1:6,130,336-6,130,339, AGAG deleted on the plus strand (CTCT on the coding strand, the reverse complement: CHD5 is on the minus strand); deleting any 4 consecutive bases within chr1:6,130,336-6,130,341 gives the same sequence; the c. name uses the placement nearest the transcript's 3' end. VCF-style (leftmost placement, unchanged base first): chr1-6130335-AAGAG-A. GRCh37 (hg19) VCF-style: chr1-6190395-AAGAG-A.
Identifiers: ClinVar variation 4292498 (VCV004292498.1).